The following is an entry in ClinVar:

NM_000350.3(ABCA4):c.4552A>G (p.Ser1518Gly)

Gene: ABCA4 (ATP binding cassette subfamily A member 4; minus strand). Cytogenetic location: 1p22.1.
Variant type: single nucleotide variant.
Coding change: c.4552A>G on transcript NM_000350.3 (MANE Select); coding-DNA position 4552, A replaced by G.
Protein change: p.Ser1518Gly; replaces serine 1518 with glycine.
Molecular consequence: missense variant.
Genome position (GRCh38, 1-based): chr1:94,025,036, T>C on the plus strand (A>G on the coding strand, the complement: ABCA4 is on the minus strand). VCF-style: chr1-94025036-T-C. GRCh37 (hg19) VCF-style: chr1-94490592-T-C.
Other names: c.4330A>G, p.Ser1444Gly (NM_001425324.1); short protein forms S1444G, S1518G.
Identifiers: ClinVar variation 2831785 (VCV002831785.5), dbSNP rs2523707283, ClinGen allele CA341284730.

ClinVar aggregate classification (germline): Conflicting classifications of pathogenicity. Review status: criteria provided, conflicting classifications (1 of 4 stars). 2 submissions from 2 submitters: Likely pathogenic (1); Uncertain significance (1). Last evaluated 2025-07-15.

Submissions (2):

Women's Health and Genetics/Laboratory Corporation of America, LabCorp
Classification: Uncertain significance. Last evaluated: 2025-07-15. Review status: criteria provided, single submitter. Criteria: LabCorp Variant Classification Summary - May 2015. Collection method: clinical testing. Allele origin: germline.
Comment: Variant summary: ABCA4 c.4552A>G (p.Ser1518Gly) results in a non-conservative amino acid change in the encoded protein sequence. Algorithms developed to predict the effect of missense changes on protein structure and function all suggest that this variant is likely to be disruptive. The variant was absent in 251478 control chromosomes. The available data on variant occurrences in the general population are insufficient to allow any conclusion about variant significance. To our knowledge, no occurrence of c.4552A>G in individuals affected with Retinitis Pigmentosa and no experimental evidence demonstrating its impact on protein function have been reported. ClinVar contains an entry for this variant (Variation ID: 2831785). Based on the evidence outlined above, the variant was classified as uncertain significance.

Labcorp Genetics (formerly Invitae), Labcorp
Classification: Likely pathogenic. Last evaluated: 2023-01-24. Review status: criteria provided, single submitter. Criteria: Invitae Variant Classification Sherloc (09022015). Collection method: clinical testing. Allele origin: germline.
Comment: In summary, the currently available evidence indicates that the variant is pathogenic, but additional data are needed to prove that conclusively. Therefore, this variant has been classified as Likely Pathogenic. This variant disrupts the p.Ser1518 amino acid residue in ABCA4. Other variant(s) that disrupt this residue have been determined to be pathogenic (PMID: 29925512, 31674661). This suggests that this residue is clinically significant, and that variants that disrupt this residue are likely to be disease-causing. Advanced modeling of protein sequence and biophysical properties (such as structural, functional, and spatial information, amino acid conservation, physicochemical variation, residue mobility, and thermodynamic stability) performed at Invitae indicates that this missense variant is expected to disrupt ABCA4 protein function. This variant has not been reported in the literature in individuals affected with ABCA4-related conditions. This variant is not present in population databases (gnomAD no frequency). This sequence change replaces serine, which is neutral and polar, with glycine, which is neutral and non-polar, at codon 1518 of the ABCA4 protein (p.Ser1518Gly).

Literature cited by the submitters: PubMed 29925512 (cited by Labcorp Genetics (formerly Invitae), Labcorp); PubMed 31674661 (cited by Labcorp Genetics (formerly Invitae), Labcorp).